The following is an entry in ClinVar:

ClinVar aggregate classification (germline): Likely pathogenic. Review status: criteria provided, multiple submitters, no conflicts (2 of 4 stars). 2 submissions from 2 submitters: Likely pathogenic (2). Last evaluated 2022-06-29.

Conditions:
Hereditary cancer-predisposing syndrome. Also called: Tumor predisposition; Hereditary Cancer Syndrome; Neoplastic Syndromes, Hereditary; Hereditary neoplastic syndrome. Identifiers: Orphanet 140162, MedGen C0027672, MeSH D009386, MONDO:0015356.
Familial cancer of breast. Also called: Hereditary breast cancer; BREAST CANCER, FAMILIAL; hereditary breast carcinoma. Identifiers: Orphanet 227535, MedGen C0346153, MONDO:0016419, OMIM 114480. Disease mechanism: loss of function.

Submissions (2):

Labcorp Genetics (formerly Invitae), Labcorp
Classification: Likely pathogenic for Familial cancer of breast. Last evaluated: 2022-06-29. Review status: criteria provided, single submitter. Criteria: Invitae Variant Classification Sherloc (09022015). Collection method: clinical testing. Allele origin: germline.
Comment: In summary, the currently available evidence indicates that the variant is pathogenic, but additional data are needed to prove that conclusively. Therefore, this variant has been classified as Likely Pathogenic. Studies have shown that disruption of this splice site results in multiple RNA products and introduces a premature termination codon (Invitae). The resulting mRNA is expected to undergo nonsense-mediated decay. This variant has not been reported in the literature in individuals affected with PALB2-related conditions. Information on the frequency of this variant in the gnomAD database is not available, as this variant may be reported differently in the database. This sequence change affects a splice site in intron 6 of the PALB2 gene. RNA analysis indicates that disruption of this splice site induces altered splicing and may result in an absent or disrupted protein product.

Ambry Genetics
Classification: Likely pathogenic for Hereditary cancer-predisposing syndrome. Last evaluated: 2019-10-10. Review status: criteria provided, single submitter. Criteria: Ambry Variant Classification Scheme 2023. Collection method: clinical testing. Allele origin: germline.
Comment: The c.2586+1_2586+2delGTinsTA intronic variant, located in intron 6 of the PALB2 gene, results from a deletion of GT and the insertion of TA at nucleotide positions 2586+1 to 2586+2. These nucleotide positions are highly conserved in available vertebrate species. Using the BDGP and ESEfinder splice site prediction tools, this alteration is predicted to abolish the native splice donor site. RNA studies have demonstrated that this alteration results in abnormal splicing in the set of samples tested (Ambry internal data). Alterations that disrupt the canonical splice site are expected to cause aberrant splicing, resulting in an abnormal protein or a transcript that is subject to nonsense-mediated mRNA decay. As such, this alteration is classified as likely pathogenic.

NM_024675.4(PALB2):c.2586+1_2586+2delinsTA

Gene: PALB2 (partner and localizer of BRCA2; minus strand). Cytogenetic location: 16p12.2.
Variant type: Indel.
Coding change: c.2586+1_2586+2delinsTA on transcript NM_024675.4 (MANE Select); the canonical splice donor site of the intron after coding-DNA position 2586, GT replaced by TA.
Molecular consequence: splice donor variant.
Genome position (GRCh38, 1-based): chr16:23,629,202-23,629,203, AC replaced by TA on the plus strand (GT replaced by TA on the coding strand, the reverse complement: PALB2 is on the minus strand). VCF-style: chr16-23629202-AC-TA. GRCh37 (hg19) VCF-style: chr16-23640523-AC-TA.
Identifiers: ClinVar variation 1793428 (VCV001793428.7), dbSNP rs2506395256, ClinGen allele CA2580091294.